The following is an entry in ClinVar:

NM_003742.4(ABCB11):c.1468A>G (p.Asn490Asp)

Gene: ABCB11 (ATP binding cassette subfamily B member 11; minus strand). Cytogenetic location: 2q31.1.
Variant type: single nucleotide variant.
Coding change: c.1468A>G on transcript NM_003742.4 (MANE Select); coding-DNA position 1468, A replaced by G.
Protein change: p.Asn490Asp; replaces asparagine 490 with aspartic acid.
Molecular consequence: missense variant.
Genome position (GRCh38, 1-based): chr2:168,972,017, T>C on the plus strand (A>G on the coding strand, the complement: ABCB11 is on the minus strand). VCF-style: chr2-168972017-T-C. GRCh37 (hg19) VCF-style: chr2-169828527-T-C.
Other names: NM_003742.4(ABCB11):c.1468A>G; p.Asn490Asp; short protein forms N490D.
Identifiers: ClinVar variation 893080 (VCV000893080.8), dbSNP rs553076953, ClinGen allele CA1951557.
Genomic context (GRCh38, chr2:168,972,017, plus strand): 5'-TAGAGAACAGAACTGGCTCTTGCTCCACTATCCCAATCTGATCTCTAAGCCACTGAATGT[T>C]AAGAGAGCGAATGTCATGGCCATCCACGGTCACCTAGAGAGCATGGGCACAACATCACAA-3'
Protein context (NP_003733.2, residues 480-500): TVDGHDIRSL[Asn490Asp]IQWLRDQIGI

ClinVar aggregate classification (germline): Uncertain significance. Review status: criteria provided, multiple submitters, no conflicts (2 of 4 stars). 5 submissions from 5 submitters: Uncertain significance (5). Last evaluated 2026-04-14.

Conditions:
Familial intrahepatic cholestasis. Identifiers: Orphanet 284385, MedGen CN296401, MONDO:0017290.
Progressive familial intrahepatic cholestasis type 2. Identifiers: Orphanet 79304, MedGen C3489789, MONDO:0011156, OMIM 601847.
Benign recurrent intrahepatic cholestasis type 2 (BRIC2). Also called: Recurrent familial intrahepatic cholestasis 2. Identifiers: Orphanet 65682, Orphanet 99961, MedGen C2608083, MONDO:0011559, OMIM 605479.

Allele frequency attached by ClinVar (database versions not stated): gnomAD exomes 0.00001; TOPMed 0.00002; ExAC 0.00003; gnomAD 0.00003 and 0.00004; 1000 Genomes Project 0.00020; 1000 Genomes Project 30x 0.00031.

Submissions (5):

Genomenon, Inc
Classification: Uncertain significance for Familial intrahepatic cholestasis. Last evaluated: 2026-04-14. Review status: criteria provided, single submitter. Criteria: Genomenon Sequence Variant Interpretation Standards - Updated. Collection method: curation. Allele origin: germline. Affected: yes.
Comment: ABCB11 p.Asn490Asp (c.1468A>G) is a missense variant that changes the amino acid at residue 490 from Asparagine to Aspartic acid. This variant has been observed in at least one proband with an ABCB11-related disorder (PMID:37471416;18395098). It has been observed in trans with a pathogenic or likely pathogenic variant (PMID:37471416). Functional studies have been reported (PMID:33750401;19101985). It is absent or not present at a significant frequency in gnomAD. In silico models predict that this variant is possibly or probably damaging. In conclusion, we classify ABCB11 p.Asn490Asp (c.1468A>G) as a variant of uncertain significance.

Broad Center for Mendelian Genomics, Broad Institute of MIT and Harvard
Classification: Uncertain significance for Progressive familial intrahepatic cholestasis type 2. Last evaluated: 2025-01-27. Review status: criteria provided, single submitter. Criteria: ACMG Guidelines, 2015. Collection method: curation. Allele origin: germline. Inheritance: Autosomal recessive inheritance.
Comment: The p.Asn490Asp variant in ABCB11 has been reported in two individuals with BSEP deficiency (PMID: 18395098; CebecauerovaÃÅ 2010), and has been identified in 0.002% (1/1179292) of European (non-Finnish) chromosomes by the Genome Aggregation Database (gnomAD; dbSNP rs553076953). Although this variant has been seen in the general population in a heterozygous state, its frequency is low enough to be consistent with a recessive carrier frequency. This variant has also been reported in ClinVar (Variation ID: 893080) and has been interpreted as a variant of uncertain significance by Fulgent Genetics (Fulgent Genetics), Women's Health and Genetics/Laboratory Corporation of America (LabCorp), and Illumina Laboratory Services (Illumina). In vitro functional studies provide some evidence that the p.Asn490Asp variant may impact protein function (PMID: 19101985, 33750401). However, these types of assays may not accurately represent biological function. Computational prediction tools and conservation analyses suggest that this variant may impact the protein, though this information is not predictive enough to determine pathogenicity. In summary, while there is some suspicion for a pathogenic role, the clinical significance of this variant is uncertain. ACMG/AMP Criteria applied: PS3_supporting, PP3, PM2_supporting (Richards 2015).

Fulgent Genetics
Classification: Uncertain significance for Progressive familial intrahepatic cholestasis type 2; Benign recurrent intrahepatic cholestasis type 2. Last evaluated: 2022-03-11. Review status: criteria provided, single submitter. Criteria: ACMG Guidelines, 2015. Collection method: clinical testing. Allele origin: unknown.

Women's Health and Genetics/Laboratory Corporation of America, LabCorp
Classification: Uncertain significance. Last evaluated: 2022-02-15. Review status: criteria provided, single submitter. Criteria: LabCorp Variant Classification Summary - May 2015. Collection method: clinical testing. Allele origin: germline.
Comment: Variant summary: ABCB11 c.1468A>G (p.Asn490Asp) results in a conservative amino acid change located in the ABC transporter-like, ATP-binding domain of the encoded protein sequence. Four of five in-silico tools predict a damaging effect of the variant on protein function. The variant allele was found at a frequency of 1.2e-05 in 247966 control chromosomes. c.1468A>G has been reported in the literature in an individual affected with severe intrahepatic cholestasis, without second mutation reported, however other genes were not tested in this patient (Strautnieks_2008). This report does not provide unequivocal conclusions about association of the variant with Familial Intrahepatic Cholestasis. Functional studies have shown the mutation to result in significantly reduced levels of mature protein as well as significantly reduced taurocholate transport activity compared with wild-type (Byrne_2009). One clinical diagnostic laboratory has submitted clinical-significance assessments for this variant to ClinVar after 2014 without evidence for independent evaluation. One laboratory classified the variant as uncertain significance. Based on the evidence outlined above, the variant was classified as VUS-possibly pathogenic.

Illumina Laboratory Services, Illumina
Classification: Uncertain significance for Progressive familial intrahepatic cholestasis type 2. Last evaluated: 2017-04-27. Review status: criteria provided, single submitter. Criteria: ICSL Variant Classification Criteria 13 December 2019. Collection method: clinical testing. Allele origin: germline.

Literature cited by the submitters: PubMed 37471416 (cited by Genomenon, Inc); PubMed 18395098 (cited by Genomenon, Inc and Women's Health and Genetics/Laboratory Corporation of America, LabCorp); PubMed 33750401 (cited by Genomenon, Inc and Broad Center for Mendelian Genomics, Broad Institute of MIT and Harvard); PubMed 19101985 (cited by Genomenon, Inc and Women's Health and Genetics/Laboratory Corporation of America, LabCorp).